The following is an entry in ClinVar:

NM_018372.4(LRIF1):c.1795T>C (p.Ser599Pro)

Gene: LRIF1 (ligand dependent nuclear receptor interacting factor 1; minus strand). Cytogenetic location: 1p13.3.
Variant type: single nucleotide variant.
Coding change: c.1795T>C on transcript NM_018372.4 (MANE Select); coding-DNA position 1795, T replaced by C.
Protein change: p.Ser599Pro; replaces serine 599 with proline.
Molecular consequence: missense variant.
Genome position (GRCh38, 1-based): chr1:110,949,925, A>G on the plus strand (T>C on the coding strand, the complement: LRIF1 is on the minus strand). VCF-style: chr1-110949925-A-G. GRCh37 (hg19) VCF-style: chr1-111492547-A-G.
Other names: c.187T>C, p.Ser63Pro (NM_001006945.2); short protein forms S599P, S63P.
Identifiers: ClinVar variation 3770578 (VCV003770578.13).

ClinVar aggregate classification (germline): Likely benign (1 of 4 stars; one submission).

gnomAD v4.1: 5,777 of 1,614,168 alleles (0.36%); highest among the groups gnomAD compares: African/African-American, 0.76%; 12 homozygotes.

Submission:

CeGaT Center for Human Genetics Tuebingen
Classification: Likely benign. Last evaluated: 2025-02-01. Review status: criteria provided, single submitter. Criteria: CeGaT Center For Human Genetics Tuebingen Variant Classification Criteria Version 2. Collection method: clinical testing. Allele origin: germline. Affected: yes. Observed: 1 variant allele.
Comment: LRIF1: BP4, BS2